The following is an entry in ClinVar:

NM_006494.4(ERF):c.1444C>T (p.Leu482=)

Gene: ERF (ETS2 repressor factor; minus strand). Cytogenetic location: 19q13.2.
Variant type: single nucleotide variant.
Coding change: c.1444C>T on transcript NM_006494.4 (MANE Select); coding-DNA position 1444, C replaced by T.
Protein change: p.Leu482=; no amino-acid change (leucine 482 retained).
Molecular consequence: synonymous variant.
Genome position (GRCh38, 1-based): chr19:42,248,668, G>A on the plus strand (C>T on the coding strand, the complement: ERF is on the minus strand). VCF-style: chr19-42248668-G-A. GRCh37 (hg19) VCF-style: chr19-42752820-G-A.
Other names: c.1219C>T, p.Leu407= (NM_001301035.2, NM_001308402.2, NM_001312656.2).
Identifiers: ClinVar variation 2649939 (VCV002649939.24), dbSNP rs755708217, ClinGen allele CA9471165.

ClinVar aggregate classification (germline): Likely benign (1 of 4 stars; one submission).

Allele frequency attached by ClinVar (database versions not stated): gnomAD exomes below 0.00001; gnomAD 0.00001; ExAC 0.00003.

Submission:

CeGaT Center for Human Genetics Tuebingen
Classification: Likely benign. Last evaluated: 2023-02-01. Review status: criteria provided, single submitter. Criteria: CeGaT Center For Human Genetics Tuebingen Variant Classification Criteria Version 2. Collection method: clinical testing. Allele origin: germline. Affected: yes. Observed: 1 variant allele.
Comment: ERF: BP4, BP7